The following is an entry in ClinVar:

ClinVar aggregate classification (germline): Conflicting classifications of pathogenicity. Review status: criteria provided, conflicting classifications (1 of 4 stars). 4 submissions from 4 submitters: Uncertain significance (1); Likely benign (2). 1 of the submissions does not count toward it. Last evaluated 2025-07-21.

Conditions:
Basal cell carcinoma, susceptibility to, 1. Also called: BCC1. Identifiers: MedGen C2751544, MONDO:0011556, OMIM 605462.
Gorlin syndrome. Also called: Nevoid Basal Cell Carcinoma Syndrome; Basal cell nevus syndrome. Identifiers: Orphanet 377, MedGen C0004779, MONDO:0007187.
PTCH2-related disorder. Also called: PTCH2-related condition; PTCH2-related disease.

Allele frequency attached by ClinVar (database versions not stated): TOPMed 0.00014; gnomAD 0.00017 and 0.00021; 1000 Genomes Project 0.00020; gnomAD exomes 0.00021 and 0.00042; 1000 Genomes Project 30x 0.00031; ExAC 0.00070.

Submissions (4):

Labcorp Genetics (formerly Invitae), Labcorp
Classification: Likely benign for Gorlin syndrome. Last evaluated: 2025-07-21. Review status: criteria provided, single submitter. Criteria: Invitae Variant Classification Sherloc (09022015). Collection method: clinical testing. Allele origin: germline.

KCCC/NGS Laboratory, Kuwait Cancer Control Center
Classification: Likely benign for Basal cell carcinoma, susceptibility to, 1. Last evaluated: 2023-07-07. Review status: criteria provided, single submitter. Criteria: ACMG Guidelines, 2015. Collection method: clinical testing. Allele origin: germline. Affected: yes.

Ambry Genetics
Classification: Uncertain significance. Last evaluated: 2023-06-12. Review status: criteria provided, single submitter. Criteria: Ambry Variant Classification Scheme 2023. Collection method: clinical testing. Allele origin: germline.

PreventionGenetics, part of Exact Sciences
Classification: Likely benign for PTCH2-related condition. Last evaluated: 2020-02-12. Review status: no assertion criteria provided. Collection method: clinical testing. Allele origin: germline. Not counted in ClinVar's aggregate classification.
Comment: This variant is classified as likely benign based on ACMG/AMP sequence variant interpretation guidelines (Richards et al. 2015 PMID: 25741868, with internal and published modifications).

NM_003738.5(PTCH2):c.2782G>A (p.Glu928Lys)

Gene: PTCH2 (patched 2; minus strand). Cytogenetic location: 1p34.1.
Variant type: single nucleotide variant.
Coding change: c.2782G>A on transcript NM_003738.5 (MANE Select); coding-DNA position 2782, G replaced by A.
Protein change: p.Glu928Lys; replaces glutamic acid 928 with lysine.
Molecular consequence: missense variant.
Genome position (GRCh38, 1-based): chr1:44,826,682, C>T on the plus strand (G>A on the coding strand, the complement: PTCH2 is on the minus strand). VCF-style: chr1-44826682-C-T. GRCh37 (hg19) VCF-style: chr1-45292354-C-T.
Other names: c.2782G>A, p.Glu928Lys (NM_001166292.2); short protein forms E928K.
Identifiers: ClinVar variation 415450 (VCV000415450.16), dbSNP rs199998309, ClinGen allele CA822887.
Genomic context (GRCh38, chr1:44,826,682, plus strand): 5'-CGCTGGGGTAGGCGTGCACCCCAGCCTGGCCGGCCTCTGCGCATGCTGCCCGGGCCCCCT[C>T]GATGGCCTCCACAAAGTCTGCAGTCTTCTGGAGGCCACGCAGCAGGAAGGGGAACTGGGC-3'
Protein context (NP_003729.3, residues 918-938): QKTADFVEAI[Glu928Lys]GARAACAEAG